The following is an entry in ClinVar:

NM_000059.4(BRCA2):c.9925G>T (p.Glu3309Ter)

Gene: BRCA2 (BRCA2 DNA repair associated; plus strand). Cytogenetic location: 13q13.1.
Variant type: single nucleotide variant.
Coding change: c.9925G>T on transcript NM_000059.4 (MANE Select); coding-DNA position 9925, G replaced by T.
Protein change: p.Glu3309Ter; replaces glutamic acid 3309 with a stop codon.
Molecular consequence: nonsense.
Genome position (GRCh38, 1-based): chr13:32,398,438, G>T. VCF-style: chr13-32398438-G-T. GRCh37 (hg19) VCF-style: chr13-32972575-G-T.
Other names: NM_000059.4(BRCA2):c.9925G>T; p.Glu3309Ter; short protein forms E3309*.
Identifiers: ClinVar variation 52919 (VCV000052919.28), dbSNP rs80359251, ClinGen allele CA026335.

ClinVar aggregate classification (germline): Uncertain significance. Review status: reviewed by expert panel (3 of 4 stars). 12 submissions from 12 submitters: Uncertain significance (1). 11 of the submissions do not count toward it. Last evaluated 2024-06-11.

Conditions:
Breast and/or ovarian cancer. Identifiers: MedGen CN221562.
Hereditary cancer-predisposing syndrome. Also called: Neoplastic Syndromes, Hereditary; Tumor predisposition; Hereditary neoplastic syndrome; Hereditary Cancer Syndrome. Identifiers: Orphanet 140162, MedGen C0027672, MeSH D009386, MONDO:0015356.
Hereditary breast ovarian cancer syndrome. Also called: Hereditary breast and ovarian cancer syndrome; Hereditary breast and ovarian cancer; Hereditary breast and ovarian cancer syndrome (HBOC); Breast and ovarian cancer; Hereditary breast and/or ovarian cancer syndrome; BRCA1- and BRCA2-Associated Hereditary Breast and Ovarian Cancer. Identifiers: Orphanet 145, MedGen C0677776, MeSH D061325, MONDO:0003582. Disease mechanism: loss of function.
BRCA2-related cancer predisposition. Identifiers: MedGen CN377758, MONDO:0700269.
Breast-ovarian cancer, familial, susceptibility to, 2 (BROVCA2). Also called: BRCA2 Hereditary Breast and Ovarian Cancer. Identifiers: Orphanet 145, MedGen C2675520, MONDO:0012933, OMIM 612555. Disease mechanism: loss of function.

gnomAD v4.1: 1 of 1,614,132 alleles (0.000062%); highest among the groups gnomAD compares: Non-Finnish European, 0.000085%; no homozygotes.

Submissions (12):

ClinGen ENIGMA BRCA1 and BRCA2 Variant Curation Expert Panel, ClinGen
Classification: Uncertain significance for BRCA2-related cancer predisposition. Last evaluated: 2024-06-11. Review status: reviewed by expert panel. Criteria: CSpec BRCA1/2ACMG Rules Specifications V1.0. Collection method: curation. Allele origin: germline. Inheritance: Autosomal dominant inheritance.
Comment: The c.9925G>T variant in BRCA2 is predicted to cause a change in the length of the protein due to the insertion of a terminating codon instead of the usual Glutamic acid at amino acid 3309 (p.Glu3309Ter). This variant is absent from gnomAD v2.1 (exomes only, non-cancer subset, read depth >=25) and gnomAD v3.1 (non-cancer subset, read depth >=25) (PM2_Supporting met). Nonsense variant predicted to cause a premature stop codon that is predicted to escape nonsense mediated decay, and lead to truncation of a region with unknown protein function (sequence up to BRCA2:p.Glu3309 is maintained) (PVS1 not met). Reported by two calibrated studies with discordant results. Exhibits protein function similar to benign control variants (PMID: 29988080) and pathogenic control variants (PMID: 18607349) (PS3 and BS3 not met). In summary, this variant meets the criteria to be classified as a Variant of uncertain significance for BRCA2-related cancer predisposition based on the ACMG/AMP criteria applied as specified by the ENIGMA BRCA1/2 VCEP (PM2_Supporting).

Ambry Genetics
Classification: Uncertain significance for Hereditary cancer-predisposing syndrome. Last evaluated: 2025-10-10. Review status: criteria provided, single submitter. Criteria: Ambry Variant Classification Scheme 2023. Collection method: clinical testing. Allele origin: germline. Not counted in ClinVar's aggregate classification.
Comment: The p.E3309* variant (also known as c.9925G>T), located in coding exon 26 of the BRCA2 gene, results from a G to T substitution at nucleotide position 9925. This changes the amino acid from a glutamic acid to a stop codon within coding exon 26. Premature stop codons are typically deleterious in nature; however, this stop codon occurs at the 3' terminus of BRCA2 and is not expected to trigger nonsense-mediated mRNA decay. Functional studies have found conflicting evidence for this variant, with this variant being shown to cause hypersensitivity to DNA damaging agents (Kuznetsov SG et al. Nat. Med., 2008 Aug;14:875-81), but also demonstrated to maintain a high rate of homology directed repair efficiency (Mesman RLS et al. Genet. Med., 2019 02;21:293-302). Since supporting evidence is conflicting at this time, the clinical significance of this alteration remains unclear.

Labcorp Genetics (formerly Invitae), Labcorp
Classification: Uncertain significance for Hereditary breast ovarian cancer syndrome. Last evaluated: 2025-02-15. Review status: criteria provided, single submitter. Criteria: Invitae Variant Classification Sherloc (09022015). Collection method: clinical testing. Allele origin: germline. Not counted in ClinVar's aggregate classification.
Comment: This sequence change creates a premature translational stop signal (p.Glu3309*) in the BRCA2 gene. While this is not anticipated to result in nonsense mediated decay, it is expected to disrupt the last 110 amino acid(s) of the BRCA2 protein. This variant is not present in population databases (gnomAD no frequency). This premature translational stop signal has been observed in individual(s) with breast cancer and/or endometrial cancer (PMID: 29446198, 32914019). ClinVar contains an entry for this variant (Variation ID: 52919). In summary, the available evidence is currently insufficient to determine the role of this variant in disease. Therefore, it has been classified as a Variant of Uncertain Significance.

Women's Health and Genetics/Laboratory Corporation of America, LabCorp
Classification: Uncertain significance. Last evaluated: 2024-12-08. Review status: criteria provided, single submitter. Criteria: LabCorp Variant Classification Summary - May 2015. Collection method: clinical testing. Allele origin: germline. Not counted in ClinVar's aggregate classification.
Comment: Variant summary: BRCA2 c.9925G>T (p.Glu3309X) located in the last coding exon results in a premature termination codon, predicted to cause a truncation of the encoded protein due to an escape of nonsense mediated decay. This variant is creates a stop codon one amino acid downstream of the common pathogenic variant c.9924C>G (p.Tyr3308X). The variant was absent in 251252 control chromosomes. c.9925G>T has been reported in the literature in individuals affected with ovarian/high-grade endometrial and/or breast cancer (e.g. Kuznetsov_2008, Smith_2019, Rebbeck_2018). These data indicate that the variant may be associated with disease. At least three publications report conflicting experimental evidence evaluating an impact on protein function (Kuznetsov_2008, Biswas_2012, Mesman_2018). The most pronounced variant effect results in a modest (25%) reduction in HDR activity as well as increased sensitivity to DNA-damaging agents (Mesman_2018, Kuznetsov_2008). The following publications have been ascertained in the context of this evaluation (PMID: 22678057, 18607349, 29988080, 29446198, 32914019). ClinVar contains an entry for this variant (Variation ID: 52919). Based on the evidence outlined above, the variant was classified as VUS-possibly pathogenic.

Color Diagnostics, LLC DBA Color Health
Classification: Uncertain significance for Hereditary cancer-predisposing syndrome. Last evaluated: 2024-10-01. Review status: criteria provided, single submitter. Criteria: ACMG Guidelines, 2015. Collection method: clinical testing. Allele origin: germline. Not counted in ClinVar's aggregate classification.
Comment: This variant changes 1 nucleotide in exon 27 of the BRCA2 gene, creating a premature translation stop signal in the last coding exon. Functional studies in mouse embryonic stem cells have provided conflicting conclusions on variant impact on the protein function (PMID 18607349, 29988080). Although both studies indicated increased sensitivity to DNA damaging agents, the mutant protein was able to complement BRCA2-deficiency and showed only partially reduced homology-directed recombination activity. This variant has been reported in an individual affected with ovarian cancer (PMID: 18607349) and has been identified in 1 family among the CIMBA participants (PMID: 29446198).. This variant has not been identified in the general population by the Genome Aggregation Database (gnomAD). Loss of BRCA2 function is a known mechanism of disease. The available evidence is insufficient to determine the role of this variant in disease conclusively. Therefore, this variant is classified as a Variant of Uncertain Significance.

Department of Pathology and Laboratory Medicine, Sinai Health System
Classification: Uncertain significance for BRCA2-related cancer predisposition. Last evaluated: 2024-04-09. Review status: criteria provided, single submitter. Criteria: ACMG Guidelines, 2015. Collection method: clinical testing. Allele origin: germline. Not counted in ClinVar's aggregate classification.

GeneDx
Classification: Uncertain significance. Last evaluated: 2023-11-07. Review status: criteria provided, single submitter. Criteria: GeneDx Variant Classification Process June 2021. Collection method: clinical testing. Allele origin: germline. Affected: yes. Not counted in ClinVar's aggregate classification.
Comment: Nonsense variant predicted to result in protein truncation as the last 110 amino acids are lost, although loss-of-function variants have not been reported downstream of this position in the protein; Not observed at significant frequency in large population cohorts (gnomAD); Also known as 10153G>T; This variant is associated with the following publications: (PMID: 22678057, 26332594, 29988080, 29446198, 18607349, 32914019, 10733923)

Consortium of Investigators of Modifiers of BRCA1/2 (CIMBA), c/o University of Cambridge
Classification: Pathogenic for Breast-ovarian cancer, familial, susceptibility to, 2. Last evaluated: 2015-10-02. Review status: criteria provided, single submitter. Criteria: CIMBA Mutation Classification guidelines May 2016. Collection method: clinical testing. Allele origin: germline. Not counted in ClinVar's aggregate classification.

Counsyl
Classification: Likely pathogenic for Breast-ovarian cancer, familial, susceptibility to, 2. Last evaluated: 2017-06-05. Review status: no assertion criteria provided. Collection method: clinical testing. Allele origin: unknown. Not counted in ClinVar's aggregate classification.

Research Molecular Genetics Laboratory, Women's College Hospital, University of Toronto
Classification: Pathogenic for Hereditary breast ovarian cancer syndrome. Last evaluated: 2014-01-31. Review status: no assertion criteria provided. Collection method: research. Allele origin: germline. Affected: yes. Study: The Canadian Open Genetics Repository (COGR). Not counted in ClinVar's aggregate classification.

Foulkes Cancer Genetics LDI, Lady Davis Institute for Medical Research
Classification: Likely pathogenic for Breast and/or ovarian cancer. Last evaluated: 2003-10-03. Review status: no assertion criteria provided. Collection method: clinical testing. Allele origin: germline. Study: The Canadian Open Genetics Repository (COGR). Not counted in ClinVar's aggregate classification.

Breast Cancer Information Core (BIC) (BRCA2)
Classification: Pathogenic for Breast-ovarian cancer, familial 2. Last evaluated: 1999-04-12. Review status: no assertion criteria provided. Collection method: clinical testing. Allele origin: germline. Affected: yes. Observed: 1 variant allele. Not counted in ClinVar's aggregate classification.

Literature cited by the submitters: PubMed 18607349 (cited by 5 submitters); PubMed 22678057 (cited by Ambry Genetics and Women's Health and Genetics/Laboratory Corporation of America, LabCorp); PubMed 25451944 (cited by Ambry Genetics); PubMed 26332594 (cited by Ambry Genetics and Counsyl); PubMed 29446198 (cited by 5 submitters); PubMed 29988080 (cited by 3 submitters); PubMed 32914019 (cited by 4 submitters).